The following is an entry in ClinVar:

ClinVar aggregate classification (germline): Uncertain significance. Review status: criteria provided, multiple submitters, no conflicts (2 of 4 stars). 2 submissions from 2 submitters: Uncertain significance (2). Last evaluated 2025-02-17.

Conditions:
Hereditary cancer-predisposing syndrome. Also called: Neoplastic Syndromes, Hereditary; Hereditary Cancer Syndrome; Tumor predisposition; Hereditary neoplastic syndrome. Identifiers: Orphanet 140162, MedGen C0027672, MeSH D009386, MONDO:0015356.

Allele frequency attached by ClinVar (database versions not stated): gnomAD exomes below 0.00001.
gnomAD v4.1: 1 of 1,614,154 alleles (0.000062%); highest among the groups gnomAD compares: Non-Finnish European, 0.000085%; no homozygotes.

Submissions (2):

Labcorp Genetics (formerly Invitae), Labcorp
Classification: Uncertain significance. Last evaluated: 2025-02-17. Review status: criteria provided, single submitter. Criteria: Invitae Variant Classification Sherloc (09022015). Collection method: clinical testing. Allele origin: germline.
Comment: This sequence change replaces phenylalanine, which is neutral and non-polar, with cysteine, which is neutral and slightly polar, at codon 552 of the POLE protein (p.Phe552Cys). RNA analysis indicates that this missense change induces altered splicing and likely results in the loss of 12 amino acid residue(s), but is expected to preserve the integrity of the reading-frame. This variant is not present in population databases (gnomAD no frequency). This variant has not been reported in the literature in individuals affected with POLE-related conditions. ClinVar contains an entry for this variant (Variation ID: 1040051). Invitae Evidence Modeling of protein sequence and biophysical properties (such as structural, functional, and spatial information, amino acid conservation, physicochemical variation, residue mobility, and thermodynamic stability) indicates that this missense variant is expected to disrupt POLE protein function with a positive predictive value of 80%. Studies have shown that this missense change results in the activation of a cryptic splice site in 15 (internal data). In summary, the available evidence is currently insufficient to determine the role of this variant in disease. Therefore, it has been classified as a Variant of Uncertain Significance.

Ambry Genetics
Classification: Uncertain significance for Hereditary cancer-predisposing syndrome. Last evaluated: 2023-01-16. Review status: criteria provided, single submitter. Criteria: Ambry Variant Classification Scheme 2023. Collection method: clinical testing. Allele origin: germline.
Comment: The p.F552C variant (also known as c.1655T>G), located in coding exon 15 of the POLE gene, results from a T to G substitution at nucleotide position 1655. The phenylalanine at codon 552 is replaced by cysteine, an amino acid with highly dissimilar properties. This amino acid position is conserved. In addition, this alteration is predicted to be deleterious by in silico analysis. Since supporting evidence is limited at this time, the clinical significance of this alteration remains unclear.

NM_006231.4(POLE):c.1655T>G (p.Phe552Cys)

Gene: POLE (DNA polymerase epsilon, catalytic subunit; minus strand). Cytogenetic location: 12q24.33.
Variant type: single nucleotide variant.
Coding change: c.1655T>G on transcript NM_006231.4 (MANE Select); coding-DNA position 1655, T replaced by G.
Protein change: p.Phe552Cys; replaces phenylalanine 552 with cysteine.
Molecular consequence: missense variant.
Genome position (GRCh38, 1-based): chr12:132,672,658, A>C on the plus strand (T>G on the coding strand, the complement: POLE is on the minus strand). VCF-style: chr12-132672658-A-C. GRCh37 (hg19) VCF-style: chr12-133249244-A-C.
Other names: c.1655T>G (NM_006231.2); short protein forms F552C.
Identifiers: ClinVar variation 1040051 (VCV001040051.10), dbSNP rs2042956350, ClinGen allele CA387356557.